The following is an entry in ClinVar:

ClinVar aggregate classification (germline): Likely benign. Review status: criteria provided, multiple submitters, no conflicts (2 of 4 stars). 6 submissions from 6 submitters: Likely benign (4). 2 of the submissions do not count toward it. Last evaluated 2025-12-01.

Conditions:
Irido-corneo-trabecular dysgenesis (ASGD5). Also called: ANTERIOR SEGMENT DYSGENESIS 5. Identifiers: Orphanet 708, MedGen C0344559, MONDO:0011414, OMIM 604229, HP:0000659.
Aniridia 1 (AN1). Identifiers: Orphanet 250923, MedGen C0344542, MONDO:0024507, OMIM 106210.

Allele frequency attached by ClinVar (database versions not stated): TOPMed 0.00006; gnomAD 0.00007 and 0.00009; ESP Exome Variant Server 0.00008; gnomAD exomes 0.00008 and 0.00010; ExAC 0.00010; 1000 Genomes Project 30x 0.00016; 1000 Genomes Project 0.00020.
gnomAD v4.1: 176 of 1,614,154 alleles (0.011%); highest among the groups gnomAD compares: Middle Eastern, 0.033%; no homozygotes.

Submissions (6):

CeGaT Center for Human Genetics Tuebingen
Classification: Likely benign. Last evaluated: 2025-12-01. Review status: criteria provided, single submitter. Criteria: CeGaT Center For Human Genetics Tuebingen Variant Classification Criteria Version 2. Collection method: clinical testing. Allele origin: germline. Affected: yes. Observed: 2 variant alleles.
Comment: PAX6: BP4, BP7

Labcorp Genetics (formerly Invitae), Labcorp
Classification: Likely benign for Aniridia 1; Irido-corneo-trabecular dysgenesis. Last evaluated: 2024-12-19. Review status: criteria provided, single submitter. Criteria: Invitae Variant Classification Sherloc (09022015). Collection method: clinical testing. Allele origin: germline.

Blueprint Genetics
Classification: Likely benign. Last evaluated: 2023-09-08. Review status: criteria provided, single submitter. Criteria: ACMG Guidelines, 2015. Collection method: clinical testing. Allele origin: germline.

GeneDx
Classification: Likely benign. Last evaluated: 2017-03-29. Review status: criteria provided, single submitter. Criteria: GeneDx Variant Classification (06012015). Collection method: clinical testing. Allele origin: germline. Affected: yes.
Comment: This variant is considered likely benign or benign based on one or more of the following criteria: it is a conservative change, it occurs at a poorly conserved position in the protein, it is predicted to be benign by multiple in silico algorithms, and/or has population frequency not consistent with disease.

Clinical Genetics DNA and cytogenetics Diagnostics Lab, Erasmus MC, Erasmus Medical Center
Classification: Likely benign. Review status: no assertion criteria provided. Collection method: clinical testing. Allele origin: germline. Affected: yes. Study: VKGL Data-share Consensus. Not counted in ClinVar's aggregate classification.

Laboratory of Diagnostic Genome Analysis, Leiden University Medical Center (LUMC)
Classification: Likely benign. Review status: no assertion criteria provided. Collection method: clinical testing. Allele origin: germline. Affected: yes. Study: VKGL Data-share Consensus. Not counted in ClinVar's aggregate classification.

NM_001368894.2(PAX6):c.465C>G (p.Gly155=)

Gene: PAX6 (paired box 6; minus strand). Cytogenetic location: 11p13.
Variant type: single nucleotide variant.
Coding change: c.465C>G on transcript NM_001368894.2 (MANE Select); coding-DNA position 465, C replaced by G.
Protein change: p.Gly155=; no amino-acid change (glycine 155 retained).
Molecular consequence: synonymous variant. On other transcripts: non-coding transcript variant (2).
Genome position (GRCh38, 1-based): chr11:31,800,791, G>C on the plus strand (C>G on the coding strand, the complement: PAX6 is on the minus strand). VCF-style: chr11-31800791-G-C. GRCh37 (hg19) VCF-style: chr11-31822339-G-C.
Other names: c.15C>G, p.Gly5= (NM_001368909.2, NM_001310160.2, NM_001310161.3 and 11 more transcripts); c.666C>G, p.Gly222= (NM_001368910.2); c.468C>G, p.Gly156= (NM_001368911.2); c.465C>G, p.Gly155= (NM_001368912.2, NM_001368913.2, NM_001368914.2 and 6 more transcripts); c.423C>G, p.Gly141= (NM_001368915.2, NM_001368916.2, NM_001368917.2 and 10 more transcripts); c.540C>G, p.Gly180= (NM_001368918.2, NM_001368919.2); c.498C>G, p.Gly166= (NM_001368920.2); c.264C>G, p.Gly88= (NM_001368921.2, NM_001368922.2, NM_001368923.2 and 4 more transcripts); and 1 more.
Identifiers: ClinVar variation 508559 (VCV000508559.52), dbSNP rs139803630, ClinGen allele CA5933878.